The following is an entry in ClinVar:

NM_000388.4(CASR):c.869G>A (p.Gly290Asp)

Gene: CASR (calcium sensing receptor; plus strand). Cytogenetic location: 3q21.1.
Variant type: single nucleotide variant.
Coding change: c.869G>A on transcript NM_000388.4 (MANE Select); coding-DNA position 869, G replaced by A.
Protein change: p.Gly290Asp; replaces glycine 290 with aspartic acid.
Molecular consequence: missense variant.
Genome position (GRCh38, 1-based): chr3:122,261,904, G>A. VCF-style: chr3-122261904-G-A. GRCh37 (hg19) VCF-style: chr3-121980751-G-A.
Other names: c.869G>A, p.Gly290Asp (NM_001178065.2); short protein forms G290D.
Identifiers: ClinVar variation 2951901 (VCV002951901.3), dbSNP rs2473226932, ClinGen allele CA354151524.

ClinVar aggregate classification (germline): Uncertain significance (1 of 4 stars; one submission).

Conditions:
Autosomal dominant hypocalcemia 1 (HYPOC1). Also called: HYPOCALCEMIA, FAMILIAL. Identifiers: MedGen C3715128, MONDO:0011013, OMIM 601198.
Familial hypocalciuric hypercalcemia (FHH). Also called: Familial benign hypercalcemia. Identifiers: Orphanet 405, MedGen C1809471, MONDO:0018458.

Submission:

Labcorp Genetics (formerly Invitae), Labcorp
Classification: Uncertain significance for Familial hypocalciuric hypercalcemia; Autosomal dominant hypocalcemia 1. Last evaluated: 2023-09-13. Review status: criteria provided, single submitter. Criteria: Invitae Variant Classification Sherloc (09022015). Collection method: clinical testing. Allele origin: germline.
Comment: This sequence change replaces glycine, which is neutral and non-polar, with aspartic acid, which is acidic and polar, at codon 290 of the CASR protein (p.Gly290Asp). This variant is not present in population databases (gnomAD no frequency). This variant has not been reported in the literature in individuals affected with CASR-related conditions. An algorithm developed to predict the effect of missense changes on protein structure and function (PolyPhen-2) suggests that this variant is likely to be tolerated. In summary, the available evidence is currently insufficient to determine the role of this variant in disease. Therefore, it has been classified as a Variant of Uncertain Significance.